The following is an entry in ClinVar:

NM_002230.4(JUP):c.1879T>C (p.Ser627Pro)

Gene: JUP (junction plakoglobin; minus strand). Cytogenetic location: 17q21.2.
Variant type: single nucleotide variant.
Coding change: c.1879T>C on transcript NM_002230.4 (MANE Select); coding-DNA position 1879, T replaced by C.
Protein change: p.Ser627Pro; replaces serine 627 with proline.
Molecular consequence: missense variant.
Genome position (GRCh38, 1-based): chr17:41,757,679, A>G on the plus strand (T>C on the coding strand, the complement: JUP is on the minus strand). VCF-style: chr17-41757679-A-G. GRCh37 (hg19) VCF-style: chr17-39913931-A-G.
Other names: c.1879T>C, p.Ser627Pro (NM_001352773.2, NM_001352774.2, NM_001352775.2 and 3 more transcripts); short protein forms S627P.
Identifiers: ClinVar variation 2563208 (VCV002563208.2), dbSNP rs2544036896, ClinGen allele CA399492259.
Genomic context (GRCh38, chr17:41,757,679, plus strand): 5'-CCTCCCCCAGCTCACCAGTGCCCTCGTTGCGGGAGTGCAGCAACTCCATGAGTGGGGCCG[A>G]GGCCCCCTCTGCATCAATGGCGTCGGCCGCCTCCTTGTCCTGGGCCAGCTCACACAGCAC-3'
Protein context (NP_002221.1, residues 617-637): AADAIDAEGA[Ser627Pro]APLMELLHSR

ClinVar aggregate classification (germline): Uncertain significance (1 of 4 stars; one submission).

Conditions:
Cardiovascular phenotype. Identifiers: MedGen CN230736.

Allele frequency attached by ClinVar (database versions not stated): gnomAD exomes below 0.00001.
gnomAD v4.1: 1 of 1,613,458 alleles (0.000062%); highest among the groups gnomAD compares: African/African-American, 0.0013%; no homozygotes.

Submission:

Ambry Genetics
Classification: Uncertain significance for Cardiovascular phenotype. Last evaluated: 2023-05-12. Review status: criteria provided, single submitter. Criteria: Ambry Variant Classification Scheme 2023. Collection method: clinical testing. Allele origin: germline.
Comment: The p.S627P variant (also known as c.1879T>C), located in coding exon 10 of the JUP gene, results from a T to C substitution at nucleotide position 1879. The serine at codon 627 is replaced by proline, an amino acid with similar properties. This amino acid position is conserved. In addition, this alteration is predicted to be tolerated by in silico analysis. Since supporting evidence is limited at this time, the clinical significance of this alteration remains unclear.